The following is an entry in ClinVar:

ClinVar aggregate classification (germline): Uncertain significance. Review status: criteria provided, multiple submitters, no conflicts (2 of 4 stars). 2 submissions from 2 submitters: Uncertain significance (2). Last evaluated 2021-02-24.

Conditions:
Kabuki syndrome. Also called: Kabuki make-up syndrome; NIIKAWA-KUROKI SYNDROME. Identifiers: Orphanet 2322, MedGen C0796004, MONDO:0016512.

Submissions (2):

Labcorp Genetics (formerly Invitae), Labcorp
Classification: Uncertain significance for Kabuki syndrome. Last evaluated: 2021-02-24. Review status: criteria provided, single submitter. Criteria: Invitae Variant Classification Sherloc (09022015). Collection method: clinical testing. Allele origin: germline.
Comment: In summary, the available evidence is currently insufficient to determine the role of this variant in disease. Therefore, it has been classified as a Variant of Uncertain Significance. Algorithms developed to predict the effect of sequence changes on RNA splicing suggest that this variant may create or strengthen a splice site, but this prediction has not been confirmed by published transcriptional studies. Advanced modeling of protein sequence and biophysical properties (such as structural, functional, and spatial information, amino acid conservation, physicochemical variation, residue mobility, and thermodynamic stability) performed at Invitae indicates that this missense variant is not expected to disrupt KMT2D protein function. This variant has not been reported in the literature in individuals with KMT2D-related conditions. This variant is not present in population databases (ExAC no frequency). This sequence change replaces alanine with valine at codon 3663 of the KMT2D protein (p.Ala3663Val). The alanine residue is weakly conserved and there is a small physicochemical difference between alanine and valine.

Breakthrough Genomics
Classification: Uncertain significance. Review status: criteria provided, single submitter. Criteria: ACMG Guidelines, 2015. Collection method: not provided. Allele origin: germline. Inheritance: Autosomal dominant inheritance. Affected: yes.

NM_003482.4(KMT2D):c.10988C>T (p.Ala3663Val)

Gene: KMT2D (lysine methyltransferase 2D; minus strand). Cytogenetic location: 12q13.12.
Variant type: single nucleotide variant.
Coding change: c.10988C>T on transcript NM_003482.4 (MANE Select); coding-DNA position 10988, C replaced by T.
Protein change: p.Ala3663Val; replaces alanine 3663 with valine.
Molecular consequence: missense variant.
Genome position (GRCh38, 1-based): chr12:49,033,717, G>A on the plus strand (C>T on the coding strand, the complement: KMT2D is on the minus strand). VCF-style: chr12-49033717-G-A. GRCh37 (hg19) VCF-style: chr12-49427500-G-A.
Other names: short protein forms A3663V.
Identifiers: ClinVar variation 1411635 (VCV001411635.9), dbSNP rs2120445777, ClinGen allele CA384724425.
Genomic context (GRCh38, chr12:49,033,717, plus strand): 5'-TGTTGCTGCTGTTGGGCCAGAGCTGTATTAAGGAAGGGGCCACCAGGCTGTCCAGGTAGT[G>A]CCATACCCCCAGGGGTCAGGCGAAGACCTCCGGCTTGCCCACCCGGAGGCCCCTGTGGTG-3'
Protein context (NP_003473.3, residues 3653-3673): GGLRLTPGGM[Ala3663Val]LPGQPGGPFL